The following is an entry in ClinVar:

ClinVar aggregate classification (germline): Uncertain significance (1 of 4 stars; one submission).

Submission:

Labcorp Genetics (formerly Invitae), Labcorp
Classification: Uncertain significance. Last evaluated: 2022-07-22. Review status: criteria provided, single submitter. Criteria: Invitae Variant Classification Sherloc (09022015). Collection method: clinical testing. Allele origin: germline.
Comment: In summary, the available evidence is currently insufficient to determine the role of this variant in disease. Therefore, it has been classified as a Variant of Uncertain Significance. Advanced modeling of protein sequence and biophysical properties (such as structural, functional, and spatial information, amino acid conservation, physicochemical variation, residue mobility, and thermodynamic stability) performed at Invitae indicates that this missense variant is expected to disrupt TPP1 protein function. This variant has not been reported in the literature in individuals affected with TPP1-related conditions. This variant is not present in population databases (gnomAD no frequency). This sequence change replaces leucine, which is neutral and non-polar, with proline, which is neutral and non-polar, at codon 557 of the TPP1 protein (p.Leu557Pro).

NM_000391.4(TPP1):c.1670T>C (p.Leu557Pro)

Gene: TPP1 (tripeptidyl peptidase 1; minus strand). Cytogenetic location: 11p15.4.
Variant type: single nucleotide variant.
Coding change: c.1670T>C on transcript NM_000391.4 (MANE Select); coding-DNA position 1670, T replaced by C.
Protein change: p.Leu557Pro; replaces leucine 557 with proline.
Molecular consequence: missense variant.
Genome position (GRCh38, 1-based): chr11:6,614,568, A>G on the plus strand (T>C on the coding strand, the complement: TPP1 is on the minus strand). VCF-style: chr11-6614568-A-G. GRCh37 (hg19) VCF-style: chr11-6635799-A-G.
Other names: short protein forms L557P.
Identifiers: ClinVar variation 2121808 (VCV002121808.4), dbSNP rs888341233, ClinGen allele CA217320765.